The following is an entry in ClinVar:

ClinVar aggregate classification (germline): Uncertain significance. Review status: criteria provided, multiple submitters, no conflicts (2 of 4 stars). 2 submissions from 2 submitters: Uncertain significance (2). Last evaluated 2025-08-12.

Conditions:
Gastrointestinal stromal tumor. Also called: Gastrointestinal stromal tumor, somatic; Gastrointestinal stroma tumor. Identifiers: Orphanet 44890, MedGen C0238198, MeSH D046152, MONDO:0011719, OMIM 606764, HP:0100723.
Hereditary cancer-predisposing syndrome. Also called: Tumor predisposition; Neoplastic Syndromes, Hereditary; Hereditary neoplastic syndrome; Hereditary Cancer Syndrome. Identifiers: Orphanet 140162, MedGen C0027672, MeSH D009386, MONDO:0015356.

Submissions (2):

Ambry Genetics
Classification: Uncertain significance for Hereditary cancer-predisposing syndrome. Last evaluated: 2025-08-12. Review status: criteria provided, single submitter. Criteria: Ambry Variant Classification Scheme 2023. Collection method: clinical testing. Allele origin: germline.
Comment: The p.V731L variant (also known as c.2191G>C), located in coding exon 15 of the KIT gene, results from a G to C substitution at nucleotide position 2191. The valine at codon 731 is replaced by leucine, an amino acid with highly similar properties. This amino acid position is conserved. In addition, this alteration is predicted to be tolerated by in silico analysis. Based on the available evidence, the clinical significance of this variant remains unclear.

Labcorp Genetics (formerly Invitae), Labcorp
Classification: Uncertain significance for Gastrointestinal stromal tumor. Last evaluated: 2022-07-21. Review status: criteria provided, single submitter. Criteria: Invitae Variant Classification Sherloc (09022015). Collection method: clinical testing. Allele origin: germline.
Comment: In summary, the available evidence is currently insufficient to determine the role of this variant in disease. Therefore, it has been classified as a Variant of Uncertain Significance. Algorithms developed to predict the effect of missense changes on protein structure and function are either unavailable or do not agree on the potential impact of this missense change (SIFT: "Deleterious"; PolyPhen-2: "Probably Damaging"; Align-GVGD: "Class C0"). ClinVar contains an entry for this variant (Variation ID: 1057404). This variant has not been reported in the literature in individuals affected with KIT-related conditions. This variant is not present in population databases (gnomAD no frequency). This sequence change replaces valine, which is neutral and non-polar, with leucine, which is neutral and non-polar, at codon 731 of the KIT protein (p.Val731Leu).

NM_000222.3(KIT):c.2191G>C (p.Val731Leu)

Gene: KIT (KIT proto-oncogene, receptor tyrosine kinase; plus strand). Cytogenetic location: 4q12.
Variant type: single nucleotide variant.
Coding change: c.2191G>C on transcript NM_000222.3 (MANE Select); coding-DNA position 2191, G replaced by C.
Protein change: p.Val731Leu; replaces valine 731 with leucine.
Molecular consequence: missense variant.
Genome position (GRCh38, 1-based): chr4:54,731,377, G>C. VCF-style: chr4-54731377-G-C. GRCh37 (hg19) VCF-style: chr4-55597543-G-C.
Other names: c.2179G>C, p.Val727Leu (NM_001093772.2, NM_001385292.1); c.2194G>C, p.Val732Leu (NM_001385284.1); c.2188G>C, p.Val730Leu (NM_001385285.1); c.2176G>C, p.Val726Leu (NM_001385286.1); c.2182G>C, p.Val728Leu (NM_001385288.1); c.2191G>C, p.Val731Leu (NM_001385290.1); c.2191G>C (NM_000222.2); short protein forms V726L, V727L, V728L, V730L, V731L, V732L.
Identifiers: ClinVar variation 1057404 (VCV001057404.10), dbSNP rs2109792516, ClinGen allele CA356910293.